The following is an entry in ClinVar:

ClinVar aggregate classification (germline): Uncertain significance (1 of 4 stars; one submission).

Submission:

Labcorp Genetics (formerly Invitae), Labcorp
Classification: Uncertain significance. Last evaluated: 2025-11-17. Review status: criteria provided, single submitter. Criteria: Invitae Variant Classification Sherloc (09022015). Collection method: clinical testing. Allele origin: germline.
Comment: This sequence change affects an acceptor splice site in intron 15 of the CLCN6 gene. It is expected to disrupt RNA splicing. Variants that disrupt the donor or acceptor splice site typically lead to a loss of protein function (PMID: 16199547), however the current clinical and genetic evidence is not sufficient to establish whether loss-of-function variants in CLCN6 cause disease. This variant is not present in population databases (gnomAD no frequency). This variant has not been reported in the literature in individuals affected with CLCN6-related conditions. ClinVar contains an entry for this variant (Variation ID: 2029422). Algorithms developed to predict the effect of sequence changes on RNA splicing suggest that this variant may disrupt the consensus splice site. In summary, the available evidence is currently insufficient to determine the role of this variant in disease. Therefore, it has been classified as a Variant of Uncertain Significance.

Literature cited by the submitters: PubMed 16199547.

NM_001286.5(CLCN6):c.1527-1G>C

Gene: CLCN6 (Cl-/H+ antiporter 6; plus strand). Cytogenetic location: 1p36.22.
Variant type: single nucleotide variant.
Coding change: c.1527-1G>C on transcript NM_001286.5 (MANE Select); the canonical splice acceptor site of the intron before coding-DNA position 1527, G replaced by C.
Molecular consequence: splice acceptor variant.
Genome position (GRCh38, 1-based): chr1:11,834,235, G>C. VCF-style: chr1-11834235-G-C. GRCh37 (hg19) VCF-style: chr1-11894292-G-C.
Other names: c.1461-1G>C (NM_001256959.2).
Identifiers: ClinVar variation 2029422 (VCV002029422.4), dbSNP rs2523155918, ClinGen allele CA338435678.
Genomic context (GRCh38, chr1:11,834,235, plus strand): 5'-GTCCTCCCCACAGCCTATCAGTGTGGTTCAAAGCCATGTTCTCGGTGTTTTCCTTCACTA[G>C]CTACATTGGATTGGGCCACATCTATTCGGGGACCTTTGCCCTGATTGGTGCAGCGGCTTT-3'